The following is an entry in ClinVar:

ClinVar aggregate classification (germline): Pathogenic (1 of 4 stars; one submission).

Conditions:
Developmental and epileptic encephalopathy 91. Also called: EPILEPTIC ENCEPHALOPATHY, INFANTILE OR EARLY CHILDHOOD, 1. Identifiers: MedGen C4540199, MONDO:0020630, OMIM 617711.

Submission:

Pediatric Department, Peking University First Hospital
Classification: Pathogenic for Developmental and epileptic encephalopathy 91. Last evaluated: 2025-05-24. Review status: criteria provided, single submitter. Criteria: ACMG Guidelines, 2015. Collection method: research. Allele origin: de novo. Affected: yes.
Comment: Pathogenic(PVS1_Strong, PS2, PM2)

NM_000944.5(PPP3CA):c.1354_1356delinsCAATA (p.Ile452fs)

Gene: PPP3CA (protein phosphatase 3 catalytic subunit alpha; minus strand). Cytogenetic location: 4q24.
Variant type: Indel.
Coding change: c.1354_1356delinsCAATA on transcript NM_000944.5 (MANE Select); coding-DNA positions 1354 to 1356, ATT replaced by CAATA.
Protein change: p.Ile452fs; shifts the reading frame from isoleucine 452.
Molecular consequence: frameshift variant. On other transcripts: intron variant (2).
Genome position (GRCh38, 1-based): chr4:101,029,179-101,029,181, AAT replaced by TATTG on the plus strand (ATT replaced by CAATA on the coding strand, the reverse complement: PPP3CA is on the minus strand). VCF-style: chr4-101029179-AAT-TATTG. GRCh37 (hg19) VCF-style: chr4-101950336-AAT-TATTG.
Other names: c.1213+3086_1213+3088delinsCAATA (NM_001130692.2); c.1339+3086_1339+3088delinsCAATA (NM_001130691.2); short protein forms I452fs.
Identifiers: ClinVar variation 3900639 (VCV003900639.1).
Genomic context (GRCh38, chr4:101,029,179, plus strand): 5'-GCCCTTATCTGTTGCAGGTACAACAGAAAGGGGACTGGCCAATTTACCTTCATCAGCCTC[AAT>TATTG]AGCCTCAACAGTAGCTGAAGAGAAGAAAGGGGGTGCAAAATGAATGAGAAAAATGAGCAG-3'